The following is an entry in ClinVar:

NM_001253852.3(AP4B1):c.1612del (p.Ser538fs)

Genes: AP4B1 (adaptor related protein complex 4 subunit beta 1; minus strand), AP4B1-AS1 (AP4B1 antisense RNA 1; plus strand). Cytogenetic location: 1p13.2.
Variant type: Deletion.
Coding change: c.1612del on transcript NM_001253852.3 (MANE Select); coding-DNA position 1612, one base deleted (T; older notation c.1612delT).
Protein change: p.Ser538fs; shifts the reading frame from serine 538.
Molecular consequence: frameshift variant.
Genome position (GRCh38, 1-based): chr1:113,895,937, A deleted on the plus strand (T on the coding strand, the reverse complement: AP4B1 is on the minus strand). VCF-style (leftmost placement, unchanged base first): chr1-113895936-GA-G. GRCh37 (hg19) VCF-style: chr1-114438558-GA-G.
Other names: c.1315del, p.Ser439fs (NM_001253853.3); c.1108del, p.Ser370fs (NM_001308312.2); c.1612del, p.Ser538fs (NM_006594.5); short protein forms S370fs, S439fs, S538fs.
Identifiers: ClinVar variation 2627503 (VCV002627503.1), dbSNP rs2526494351, ClinGen allele CA2582341925.

ClinVar aggregate classification (germline): Likely pathogenic (1 of 4 stars; one submission).

Conditions:
Hereditary spastic paraplegia 47. Also called: CEREBRAL PALSY, SPASTIC QUADRIPLEGIC, 5; Spastic paraplegia 47, autosomal recessive; adaptor protein 4 (AP-4) deficiency syndrome. Identifiers: Orphanet 280763, MedGen C3279738, MONDO:0013551, OMIM 614066.

Submission:

Neuberg Centre For Genomic Medicine, NCGM
Classification: Likely pathogenic for Hereditary spastic paraplegia 47. Review status: criteria provided, single submitter. Criteria: ACMG Guidelines, 2015. Collection method: clinical testing. Allele origin: germline. Inheritance: Autosomal recessive inheritance. Affected: yes.
Comment: The frameshift deletion p.S538Lfs*16 in AP4B1 (NM_001253852.3) has not been reported previously as a pathogenic variant nor as a benign variant, to our knowledge. The p.S538Lfs*16 variant is novel (not in any individuals) in gnomAD Exomes and is novel (not in any individuals) in 1000 Genomes. This variant is predicted to cause loss of normal protein function through protein truncation.The frame shifted sequence continues 16 residues until a stop codon is reached. For these reasons, this variant has been classified as Likely Pathogenic.